The following is an entry in ClinVar:

ClinVar aggregate classification (germline): Pathogenic (1 of 4 stars; one submission).

Conditions:
Inborn genetic diseases. Identifiers: MedGen C0950123, MeSH D030342.

Submission:

Ambry Genetics
Classification: Pathogenic for Inborn genetic diseases. Last evaluated: 2024-12-27. Review status: criteria provided, single submitter. Criteria: Ambry Variant Classification Scheme 2023. Collection method: clinical testing. Allele origin: germline.
Comment: The c.151delC pathogenic mutation, located in coding exon 3 of the DDX41 gene, results from a deletion of one nucleotide at nucleotide position 151, causing a translational frameshift with a predicted alternate stop codon (p.L51Cfs*29). This alteration is expected to result in loss of function by premature protein truncation or nonsense-mediated mRNA decay. As such, this alteration is interpreted as a disease-causing mutation.

NM_016222.4(DDX41):c.151del (p.Leu51fs)

Gene: DDX41 (DEAD-box helicase 41; minus strand). Cytogenetic location: 5q35.3.
Variant type: Deletion.
Coding change: c.151del on transcript NM_016222.4 (MANE Select); coding-DNA position 151, one base deleted (C; older notation c.151delC).
Protein change: p.Leu51fs; shifts the reading frame from leucine 51.
Molecular consequence: frameshift variant. On other transcripts: 5 prime UTR variant (2).
Genome position (GRCh38, 1-based): chr5:177,516,435, G deleted on the plus strand (C on the coding strand, the reverse complement: DDX41 is on the minus strand). VCF-style (leftmost placement, unchanged base first): chr5-177516434-AG-A. GRCh37 (hg19) VCF-style: chr5-176943435-AG-A.
Other names: c.-228del (NM_001321732.2, NM_001321830.2); short protein forms L51fs.
Identifiers: ClinVar variation 3838906 (VCV003838906.1).